The following is an entry in ClinVar:

ClinVar aggregate classification (germline): Pathogenic/Likely pathogenic. Review status: criteria provided, multiple submitters, no conflicts (2 of 4 stars). 5 submissions from 5 submitters: Pathogenic (3); Likely pathogenic (2). Last evaluated 2025-07-02.

Conditions:
Propionic acidemia (PROP). Also called: GLYCINEMIA, KETOTIC; HYPERGLYCINEMIA WITH KETOACIDOSIS AND LEUKOPENIA; KETOTIC HYPERGLYCINEMIA. Identifiers: Orphanet 35, MedGen C0268579, MONDO:0011628, OMIM 606054, HP:0003571.
PCCA-related disorder. Also called: PCCA-related condition.

Submissions (5):

Natera, Inc.
Classification: Likely pathogenic for Propionic acidemia. Last evaluated: 2025-07-02. Review status: criteria provided, single submitter. Criteria: Natera Variant Classification Schema (03/2026). Collection method: clinical testing. Allele origin: germline.
Comment: The c.1495delA variant in PCCA is a frameshift variant predicted to shift the reading frame beginning at codon 499 and leads to a stop codon 19 codons downstream. This variant is expected to result in nonsense mediated decay, truncation, or a dysfunctional protein product. This variant is rare in the general population with a frequency below the threshold expected for the associated phenotype(s). Given the available evidence, this variant is classified as Likely Pathogenic.

Fulgent Genetics
Classification: Pathogenic for Propionic acidemia. Last evaluated: 2024-02-22. Review status: criteria provided, single submitter. Criteria: ACMG Guidelines, 2015. Collection method: clinical testing. Allele origin: germline.

Baylor Genetics
Classification: Pathogenic for Propionic acidemia. Last evaluated: 2023-12-17. Review status: criteria provided, single submitter. Criteria: ACMG Guidelines, 2015. Collection method: clinical testing. Allele origin: unknown.

Labcorp Genetics (formerly Invitae), Labcorp
Classification: Pathogenic for Propionic acidemia. Last evaluated: 2023-07-14. Review status: criteria provided, single submitter. Criteria: Invitae Variant Classification Sherloc (09022015). Collection method: clinical testing. Allele origin: germline.
Comment: For these reasons, this variant has been classified as Pathogenic. This premature translational stop signal has been observed in individual(s) with a positive newborn screening result for PCCA-related disease (PMID: 30274917). This variant is not present in population databases (gnomAD no frequency). This sequence change creates a premature translational stop signal (p.Ile499Serfs*19) in the PCCA gene. It is expected to result in an absent or disrupted protein product. Loss-of-function variants in PCCA are known to be pathogenic (PMID: 15464417).

Blueprint Genetics
Classification: Likely pathogenic for PCCA-related disorders. Last evaluated: 2021-03-15. Review status: criteria provided, single submitter. Criteria: ACMG Guidelines, 2015. Collection method: clinical testing. Allele origin: germline. Affected: yes. Observed: 1 variant allele.

Literature cited by the submitters: PubMed 30274917 (cited by Labcorp Genetics (formerly Invitae), Labcorp); PubMed 15464417 (cited by Labcorp Genetics (formerly Invitae), Labcorp).

NM_000282.4(PCCA):c.1495del (p.Ile499fs)

Gene: PCCA (propionyl-CoA carboxylase subunit alpha; plus strand). Cytogenetic location: 13q32.3.
Variant type: Deletion.
Coding change: c.1495del on transcript NM_000282.4 (MANE Select); coding-DNA position 1495, one base deleted (A; older notation c.1495delA).
Protein change: p.Ile499fs; shifts the reading frame from isoleucine 499.
Molecular consequence: frameshift variant. On other transcripts: non-coding transcript variant (5).
Genome position (GRCh38, 1-based): chr13:100,330,626, A deleted. VCF-style (leftmost placement, unchanged base first): chr13-100330625-CA-C. GRCh37 (hg19) VCF-style: chr13-100982879-CA-C.
Other names: c.1495delA (NM_000282.3); c.1417del, p.Ile473fs (NM_001127692.3, NM_001352607.2); c.1495del, p.Ile499fs (NM_001178004.2, NM_001352605.2, NM_001352609.2); c.1351del, p.Ile451fs (NM_001352606.2); c.1273del, p.Ile425fs (NM_001352608.2); c.550del, p.Ile184fs (NM_001352610.2, NM_001352611.2); c.406del, p.Ile136fs (NM_001352612.2); short protein forms I425fs, I451fs, I473fs, I136fs, I499fs, I184fs.
Identifiers: ClinVar variation 2910344 (VCV002910344.7), dbSNP rs2548249489, ClinGen allele CA2695218848.